The following is an entry in ClinVar:

ClinVar aggregate classification (germline): Benign. Review status: criteria provided, multiple submitters, no conflicts (2 of 4 stars). 4 submissions from 3 submitters: Benign (4). Last evaluated 2018-01-13.

Conditions:
Generalized epilepsy with febrile seizures plus, type 1 (GEFSP1). Also called: GEFS+, TYPE 1. Identifiers: Orphanet 36387, MedGen C1858672, MONDO:0011416, OMIM 604233.
Brugada syndrome 5 (BRGDA5). Identifiers: Orphanet 130, Orphanet 871, MedGen C2748541, MONDO:0013015, OMIM 612838.

Allele frequency attached by ClinVar (database versions not stated): 1000 Genomes Project 30x 0.13117; 1000 Genomes Project 0.13578; TOPMed 0.13755; gnomAD 0.14069 and 0.14150; gnomAD exomes 0.15239.
gnomAD v4.1: 146,926 of 971,180 alleles (15%); highest among the groups gnomAD compares: East Asian, 22%; 11,905 homozygotes.

Submissions (4):

Illumina Laboratory Services, Illumina
Classification: Benign for Generalized epilepsy with febrile seizures plus, type 1. Last evaluated: 2018-01-13. Review status: criteria provided, single submitter. Criteria: ICSL Variant Classification Criteria 13 December 2019. Collection method: clinical testing. Allele origin: germline.
Comment: This variant was observed in the ICSL laboratory as part of a predisposition screen in an ostensibly healthy population. It had not been previously curated by ICSL or reported in the Human Gene Mutation Database (HGMD: prior to June 1st, 2018), and was therefore a candidate for classification through an automated scoring system. Utilizing variant allele frequency, disease prevalence and penetrance estimates, and inheritance mode, an automated score was calculated to assess if this variant is too frequent to cause the disease. Based on the score and internal cut-off values, a variant classified as benign is not then subjected to further curation. The score for this variant resulted in a classification of benign for this disease.

Illumina Laboratory Services, Illumina
Classification: Benign for Brugada syndrome 5. Last evaluated: 2018-01-13. Review status: criteria provided, single submitter. Criteria: ICSL Variant Classification Criteria 13 December 2019. Collection method: clinical testing. Allele origin: germline.
Comment: the same text as in the submission from Illumina Laboratory Services, Illumina above.

GeneDx
Classification: Benign. Last evaluated: 2015-03-03. Review status: criteria provided, single submitter. Criteria: GeneDx Variant Classification Process June 2021. Collection method: clinical testing. Allele origin: germline. Affected: yes.

Breakthrough Genomics
Classification: Benign. Review status: criteria provided, single submitter. Criteria: ACMG Guidelines, 2015. Collection method: not provided. Allele origin: germline. Inheritance: Autosomal recessive inheritance. Affected: yes.

NM_001037.5(SCN1B):c.*42T>C

Gene: SCN1B (sodium voltage-gated channel beta subunit 1; plus strand). Cytogenetic location: 19q13.11.
Variant type: single nucleotide variant.
Coding change: c.*42T>C on transcript NM_001037.5 (MANE Select); 42 bases downstream of the stop codon, T replaced by C.
Molecular consequence: 3 prime UTR variant.
Genome position (GRCh38, 1-based): chr19:35,039,833, T>C. VCF-style: chr19-35039833-T-C. GRCh37 (hg19) VCF-style: chr19-35530737-T-C.
Other names: c.*42T>C (NM_001321605.2).
Identifiers: ClinVar variation 891556 (VCV000891556.7), dbSNP rs2278995, ClinGen allele CA14727236.